The following is an entry in ClinVar:

NM_014795.4(ZEB2):c.2437G>T (p.Ala813Ser)

Gene: ZEB2 (zinc finger E-box binding homeobox 2; minus strand). Cytogenetic location: 2q22.3.
Variant type: single nucleotide variant.
Coding change: c.2437G>T on transcript NM_014795.4 (MANE Select); coding-DNA position 2437, G replaced by T.
Protein change: p.Ala813Ser; replaces alanine 813 with serine.
Molecular consequence: missense variant.
Genome position (GRCh38, 1-based): chr2:144,398,750, C>A on the plus strand (G>T on the coding strand, the complement: ZEB2 is on the minus strand). VCF-style: chr2-144398750-C-A. GRCh37 (hg19) VCF-style: chr2-145156317-C-A.
Other names: c.2365G>T, p.Ala789Ser (NM_001171653.2); short protein forms A789S, A813S.
Identifiers: ClinVar variation 4811212 (VCV004811212.2).

ClinVar aggregate classification (germline): Uncertain significance. Review status: criteria provided, multiple submitters, no conflicts (2 of 4 stars). 2 submissions from 2 submitters: Uncertain significance (2). Last evaluated 2025-03-23.

Conditions:
Mowat-Wilson syndrome (MOWS). Also called: Classic Mowat-Wilson Syndrome. Identifiers: Orphanet 2152, MedGen C1856113, MONDO:0009341, OMIM 235730.

gnomAD v4.1: 3 of 1,614,120 alleles (0.00019%); highest among the groups gnomAD compares: Non-Finnish European, 0.00025%; no homozygotes.

Submissions (2):

Labcorp Genetics (formerly Invitae), Labcorp
Classification: Uncertain significance for Mowat-Wilson syndrome. Last evaluated: 2025-03-23. Review status: criteria provided, single submitter. Criteria: Invitae Variant Classification Sherloc (09022015). Collection method: clinical testing. Allele origin: germline.
Comment: This sequence change replaces alanine, which is neutral and non-polar, with serine, which is neutral and polar, at codon 813 of the ZEB2 protein (p.Ala813Ser). This variant is not present in population databases (gnomAD no frequency). This variant has not been reported in the literature in individuals affected with ZEB2-related conditions. Invitae Evidence Modeling of protein sequence and biophysical properties (such as structural, functional, and spatial information, amino acid conservation, physicochemical variation, residue mobility, and thermodynamic stability) indicates that this missense variant is not expected to disrupt ZEB2 protein function with a negative predictive value of 80%. In summary, the available evidence is currently insufficient to determine the role of this variant in disease. Therefore, it has been classified as a Variant of Uncertain Significance.

Blueprint Genetics
Classification: Uncertain significance. Last evaluated: 2022-06-21. Review status: criteria provided, single submitter. Criteria: ACMG Guidelines, 2015. Collection method: clinical testing. Allele origin: germline.